The following is an entry in ClinVar:

NM_004807.3(HS6ST1):c.967C>T (p.Arg323Trp)

Gene: HS6ST1 (heparan sulfate 6-O-sulfotransferase 1; minus strand). Cytogenetic location: 2q14.3.
Variant type: single nucleotide variant.
Coding change: c.967C>T on transcript NM_004807.3 (MANE Select); coding-DNA position 967, C replaced by T.
Protein change: p.Arg323Trp; replaces arginine 323 with tryptophan.
Molecular consequence: missense variant.
Genome position (GRCh38, 1-based): chr2:128,268,431, G>A on the plus strand (C>T on the coding strand, the complement: HS6ST1 is on the minus strand). VCF-style: chr2-128268431-G-A. GRCh37 (hg19) VCF-style: chr2-129026005-G-A.
Other names: short protein forms R323W.
Identifiers: ClinVar variation 4749647 (VCV004749647.1).

ClinVar aggregate classification (germline): Uncertain significance (1 of 4 stars; one submission).

gnomAD v4.1: 75 of 1,613,626 alleles (0.0046%); highest among the groups gnomAD compares: Admixed American, 0.022%; no homozygotes.

Submission:

Labcorp Genetics (formerly Invitae), Labcorp
Classification: Uncertain significance. Last evaluated: 2026-01-08. Review status: criteria provided, single submitter. Criteria: Invitae Variant Classification Sherloc (09022015). Collection method: clinical testing. Allele origin: germline.
Comment: This sequence change replaces arginine, which is basic and polar, with tryptophan, which is neutral and slightly polar, at codon 323 of the HS6ST1 protein (p.Arg323Trp). This variant is present in population databases (rs764697760, gnomAD 0.03%). This variant has not been reported in the literature in individuals affected with HS6ST1-related conditions. Invitae Evidence Modeling of protein sequence and biophysical properties (such as structural, functional, and spatial information, amino acid conservation, physicochemical variation, residue mobility, and thermodynamic stability) has been performed for this missense variant. However, the output from this modeling did not meet the statistical confidence thresholds required to predict the impact of this variant on HS6ST1 protein function. In summary, the available evidence is currently insufficient to determine the role of this variant in disease. Therefore, it has been classified as a Variant of Uncertain Significance.